The following is an entry in ClinVar:

NM_002519.3(NPAT):c.3274G>T (p.Ala1092Ser)

Gene: NPAT (nuclear protein, coactivator of histone transcription; minus strand). Cytogenetic location: 11q22.3.
Variant type: single nucleotide variant.
Coding change: c.3274G>T on transcript NM_002519.3 (MANE Select); coding-DNA position 3274, G replaced by T.
Protein change: p.Ala1092Ser; replaces alanine 1092 with serine.
Molecular consequence: missense variant.
Genome position (GRCh38, 1-based): chr11:108,161,812, C>A on the plus strand (G>T on the coding strand, the complement: NPAT is on the minus strand). VCF-style: chr11-108161812-C-A. GRCh37 (hg19) VCF-style: chr11-108032539-C-A.
Other names: c.3295G>T, p.Ala1099Ser (NM_001321307.1); short protein forms A1092S, A1099S.
Identifiers: ClinVar variation 2803822 (VCV002803822.3), dbSNP rs2077853742, ClinGen allele CA382511161.

ClinVar aggregate classification (germline): Uncertain significance (1 of 4 stars; one submission).

Allele frequency attached by ClinVar (database versions not stated): TOPMed below 0.00001.

Submission:

Labcorp Genetics (formerly Invitae), Labcorp
Classification: Uncertain significance. Last evaluated: 2023-07-25. Review status: criteria provided, single submitter. Criteria: Invitae Variant Classification Sherloc (09022015). Collection method: clinical testing. Allele origin: germline.
Comment: In summary, the available evidence is currently insufficient to determine the role of this variant in disease. Therefore, it has been classified as a Variant of Uncertain Significance. An algorithm developed to predict the effect of missense changes on protein structure and function (PolyPhen-2) suggests that this variant is likely to be tolerated. This variant has not been reported in the literature in individuals affected with NPAT-related conditions. This variant is not present in population databases (gnomAD no frequency). This sequence change replaces alanine, which is neutral and non-polar, with serine, which is neutral and polar, at codon 1092 of the NPAT protein (p.Ala1092Ser).